The following is an entry in ClinVar:

NM_005359.6(SMAD4):c.842C>T (p.Pro281Leu)

Gene: SMAD4 (SMAD family member 4; plus strand). Cytogenetic location: 18q21.2.
Variant type: single nucleotide variant.
Coding change: c.842C>T on transcript NM_005359.6 (MANE Select); coding-DNA position 842, C replaced by T.
Protein change: p.Pro281Leu; replaces proline 281 with leucine.
Molecular consequence: missense variant.
Genome position (GRCh38, 1-based): chr18:51,058,394, C>T. VCF-style: chr18-51058394-C-T. GRCh37 (hg19) VCF-style: chr18-48584764-C-T.
Other names: short protein forms P281L.
Identifiers: ClinVar variation 582229 (VCV000582229.16), dbSNP rs1568206174, ClinGen allele CA402463478.

ClinVar aggregate classification (germline): Uncertain significance. Review status: criteria provided, multiple submitters, no conflicts (2 of 4 stars). 3 submissions from 3 submitters: Uncertain significance (3). Last evaluated 2025-07-24.

Conditions:
Hereditary cancer-predisposing syndrome. Also called: Neoplastic Syndromes, Hereditary; Hereditary Cancer Syndrome; Tumor predisposition; Hereditary neoplastic syndrome. Identifiers: Orphanet 140162, MedGen C0027672, MeSH D009386, MONDO:0015356.
Familial thoracic aortic aneurysm and aortic dissection (TAAD). Also called: Thoracic aortic aneurysms and dissections. Identifiers: Orphanet 91387, MedGen C4707243, MONDO:0019625.
Juvenile polyposis syndrome (JPS). Identifiers: Orphanet 2929, MedGen C0345893, MONDO:0017380, OMIM 174900.

Submissions (3):

Ambry Genetics
Classification: Uncertain significance for Hereditary cancer-predisposing syndrome; Familial thoracic aortic aneurysm and aortic dissection. Last evaluated: 2025-07-24. Review status: criteria provided, single submitter. Criteria: Ambry Variant Classification Scheme 2023. Collection method: clinical testing. Allele origin: germline.
Comment: The p.P281L variant (also known as c.842C>T), located in coding exon 6 of the SMAD4 gene, results from a C to T substitution at nucleotide position 842. The proline at codon 281 is replaced by leucine, an amino acid with similar properties. This amino acid position is well conserved in available vertebrate species. In addition, the in silico prediction for this alteration is inconclusive. Based on the available evidence, the clinical significance of this variant remains unclear.

GeneDx
Classification: Uncertain significance. Last evaluated: 2023-04-24. Review status: criteria provided, single submitter. Criteria: GeneDx Variant Classification Process June 2021. Collection method: clinical testing. Allele origin: germline. Affected: yes.
Comment: Not observed at significant frequency in large population cohorts (gnomAD); In silico analysis supports that this missense variant does not alter protein structure/function; Has not been previously published as pathogenic or benign to our knowledge; This variant is associated with the following publications: (PMID: 10636916, 33751339)

Labcorp Genetics (formerly Invitae), Labcorp
Classification: Uncertain significance for Juvenile polyposis syndrome. Last evaluated: 2022-01-12. Review status: criteria provided, single submitter. Criteria: Invitae Variant Classification Sherloc (09022015). Collection method: clinical testing. Allele origin: germline.
Comment: This variant has not been reported in the literature in individuals affected with SMAD4-related conditions. In summary, the available evidence is currently insufficient to determine the role of this variant in disease. Therefore, it has been classified as a Variant of Uncertain Significance. Advanced modeling of protein sequence and biophysical properties (such as structural, functional, and spatial information, amino acid conservation, physicochemical variation, residue mobility, and thermodynamic stability) performed at Invitae indicates that this missense variant is not expected to disrupt SMAD4 protein function. ClinVar contains an entry for this variant (Variation ID: 582229). This variant is not present in population databases (gnomAD no frequency). This sequence change replaces proline, which is neutral and non-polar, with leucine, which is neutral and non-polar, at codon 281 of the SMAD4 protein (p.Pro281Leu).